The following is an entry in ClinVar:

ClinVar aggregate classification (germline): Conflicting classifications of pathogenicity. Review status: criteria provided, conflicting classifications (1 of 4 stars). 4 submissions from 4 submitters: Uncertain significance (1); Likely benign (3). Last evaluated 2026-06-01.

Conditions:
Inborn genetic diseases. Identifiers: MedGen C0950123, MeSH D030342.
Autosomal dominant childhood-onset proximal spinal muscular atrophy with contractures (SMALED2A). Also called: SPINAL MUSCULAR ATROPHY, LOWER EXTREMITY-PREDOMINANT, 2A, CHILDHOOD ONSET, AUTOSOMAL DOMINANT; Spinal muscular atrophy, lower extremity-predominant, 2A, autosomal dominant. Identifiers: Orphanet 363447, Orphanet 363454, MedGen C4747715, MONDO:0014121, OMIM 615290.

Allele frequency attached by ClinVar (database versions not stated): ExAC 0.00020; 1000 Genomes Project 0.00040; 1000 Genomes Project 30x 0.00047; TOPMed 0.00009; gnomAD 0.00013; gnomAD exomes 0.00017.
gnomAD v4.1: 85 of 1,613,358 alleles (0.0053%); highest among the groups gnomAD compares: East Asian, 0.074%; no homozygotes.

Submissions (4):

CeGaT Center for Human Genetics Tuebingen
Classification: Uncertain significance. Last evaluated: 2026-06-01. Review status: criteria provided, single submitter. Criteria: CeGaT Center For Human Genetics Tuebingen Variant Classification Criteria Version 2. Collection method: clinical testing. Allele origin: germline. Affected: yes. Observed: 1 variant allele.
Comment: BICD2: PP2, BP4

Labcorp Genetics (formerly Invitae), Labcorp
Classification: Likely benign for Autosomal dominant childhood-onset proximal spinal muscular atrophy with contractures. Last evaluated: 2025-11-17. Review status: criteria provided, single submitter. Criteria: Invitae Variant Classification Sherloc (09022015). Collection method: clinical testing. Allele origin: germline.

ARUP Laboratories, Molecular Genetics and Genomics, ARUP Laboratories
Classification: Likely benign. Last evaluated: 2024-04-19. Review status: criteria provided, single submitter. Criteria: ARUP Molecular Germline Variant Investigation Process 2024. Collection method: clinical testing. Allele origin: germline.

Ambry Genetics
Classification: Likely benign for Inborn genetic diseases. Last evaluated: 2020-07-07. Review status: criteria provided, single submitter. Criteria: Ambry Variant Classification Scheme 2023. Collection method: clinical testing. Allele origin: germline.

NM_001003800.2(BICD2):c.1127C>T (p.Thr376Met)

Gene: BICD2 (BICD cargo adaptor 2; minus strand). Cytogenetic location: 9q22.31.
Variant type: single nucleotide variant.
Coding change: c.1127C>T on transcript NM_001003800.2 (MANE Select); coding-DNA position 1127, C replaced by T.
Protein change: p.Thr376Met; replaces threonine 376 with methionine.
Molecular consequence: missense variant.
Genome position (GRCh38, 1-based): chr9:92,719,518, G>A on the plus strand (C>T on the coding strand, the complement: BICD2 is on the minus strand). VCF-style: chr9-92719518-G-A. GRCh37 (hg19) VCF-style: chr9-95481800-G-A.
Other names: c.1127C>T, p.Thr376Met (NM_015250.4); short protein forms T376M.
Identifiers: ClinVar variation 541296 (VCV000541296.17), dbSNP rs200325192, ClinGen allele CA5126628.